The following is an entry in ClinVar:

NM_000059.4(BRCA2):c.8501del (p.Thr2834fs)

Gene: BRCA2 (BRCA2 DNA repair associated; plus strand). Cytogenetic location: 13q13.1.
Variant type: Deletion.
Coding change: c.8501del on transcript NM_000059.4 (MANE Select); coding-DNA position 8501, one base deleted (C; older notation c.8501delC).
Protein change: p.Thr2834fs; shifts the reading frame from threonine 2834.
Molecular consequence: frameshift variant.
Genome position (GRCh38, 1-based): chr13:32,370,969, C deleted. VCF-style (leftmost placement, unchanged base first): chr13-32370968-AC-A. GRCh37 (hg19) VCF-style: chr13-32945105-AC-A.
Other names: 8729delC; c.8501delC (NM_000059.3).
Identifiers: ClinVar variation 38166 (VCV000038166.16), dbSNP rs80359712, ClinGen allele CA025683.

ClinVar aggregate classification (germline): Pathogenic. Review status: reviewed by expert panel (3 of 4 stars). 8 submissions from 8 submitters: Pathogenic (1). 7 of the submissions do not count toward it. Last evaluated 2016-09-08.

Conditions:
Hereditary cancer-predisposing syndrome. Also called: Tumor predisposition; Neoplastic Syndromes, Hereditary; Hereditary neoplastic syndrome; Hereditary Cancer Syndrome. Identifiers: Orphanet 140162, MedGen C0027672, MeSH D009386, MONDO:0015356.
Hereditary breast ovarian cancer syndrome. Also called: Hereditary breast and ovarian cancer; Hereditary breast and ovarian cancer syndrome (HBOC); Hereditary breast and/or ovarian cancer syndrome; Breast and ovarian cancer; Hereditary breast and ovarian cancer syndrome; BRCA1- and BRCA2-Associated Hereditary Breast and Ovarian Cancer. Identifiers: Orphanet 145, MedGen C0677776, MeSH D061325, MONDO:0003582. Disease mechanism: loss of function.
Breast-ovarian cancer, familial, susceptibility to, 2 (BROVCA2). Also called: BRCA2 Hereditary Breast and Ovarian Cancer. Identifiers: Orphanet 145, MedGen C2675520, MONDO:0012933, OMIM 612555. Disease mechanism: loss of function.

Submissions (8):

Evidence-based Network for the Interpretation of Germline Mutant Alleles (ENIGMA)
Classification: Pathogenic for Breast-ovarian cancer, familial, susceptibility to, 2. Last evaluated: 2016-09-08. Review status: reviewed by expert panel. Criteria: ENIGMA BRCA1/2 Classification Criteria (2015). Collection method: curation. Allele origin: germline.
Comment: Variant allele predicted to encode a truncated non-functional protein.

Ambry Genetics
Classification: Pathogenic for Hereditary cancer-predisposing syndrome. Last evaluated: 2025-07-02. Review status: criteria provided, single submitter. Criteria: Ambry Variant Classification Scheme 2023. Collection method: clinical testing. Allele origin: germline. Not counted in ClinVar's aggregate classification.
Comment: The c.8501delC pathogenic mutation, located in coding exon 19 of the BRCA2 gene, results from a deletion of one nucleotide at nucleotide position 8501, causing a translational frameshift with a predicted alternate stop codon (p.T2834Nfs*29). This variant is considered to be rare based on population cohorts in the Genome Aggregation Database (gnomAD). This alteration is expected to result in loss of function by premature protein truncation or nonsense-mediated mRNA decay. As such, this alteration is interpreted as a disease-causing mutation.

Labcorp Genetics (formerly Invitae), Labcorp
Classification: Pathogenic for Hereditary breast ovarian cancer syndrome. Last evaluated: 2023-07-17. Review status: criteria provided, single submitter. Criteria: Invitae Variant Classification Sherloc (09022015). Collection method: clinical testing. Allele origin: germline. Not counted in ClinVar's aggregate classification.
Comment: For these reasons, this variant has been classified as Pathogenic. ClinVar contains an entry for this variant (Variation ID: 38166). This premature translational stop signal has been observed in individual(s) with clinical features of hereditary breast and ovarian cancer (HBOC) syndrome (PMID: 29446198). This variant is not present in population databases (gnomAD no frequency). This sequence change creates a premature translational stop signal (p.Thr2834Asnfs*29) in the BRCA2 gene. It is expected to result in an absent or disrupted protein product. Loss-of-function variants in BRCA2 are known to be pathogenic (PMID: 20104584).

Women's Health and Genetics/Laboratory Corporation of America, LabCorp
Classification: Likely pathogenic for Hereditary breast and ovarian cancer syndrome. Last evaluated: 2018-03-03. Review status: criteria provided, single submitter. Criteria: LabCorp Variant Classification Summary - May 2015. Collection method: clinical testing. Allele origin: germline. Not counted in ClinVar's aggregate classification.
Comment: Variant summary: BRCA2 c.8501delC (p.Thr2834AsnfsX29) results in a premature termination codon, predicted to cause a truncation of the encoded protein or absence of the protein due to nonsense mediated decay, which are commonly known mechanisms for disease. Truncations downstream of this position have been classified as pathogenic by our laboratory (eg. c.8537_8538delAG (p.Glu2846fsX22), c.8546delA (p.Lys2849fsX14), and c.8575delC (p.Gln2859fsX4)). The variant was absent in 121292 control chromosomes (ExAC). To our knowledge, no occurrence of c.8501delC in individuals affected with Hereditary Breast and Ovarian Cancer and no experimental evidence demonstrating its impact on protein function have been reported. Multiple ClinVar submissions from clinical diagnostic laboratories (evaluation after 2014) cites the variant as "pathogenic." Based on the evidence outlined above, the variant was classified as likely pathogenic.

Consortium of Investigators of Modifiers of BRCA1/2 (CIMBA), c/o University of Cambridge
Classification: Pathogenic for Breast-ovarian cancer, familial, susceptibility to, 2. Last evaluated: 2015-10-02. Review status: criteria provided, single submitter. Criteria: CIMBA Mutation Classification guidelines May 2016. Collection method: clinical testing. Allele origin: germline. Not counted in ClinVar's aggregate classification.

Quest Diagnostics Nichols Institute San Juan Capistrano
Classification: Pathogenic for Breast-ovarian cancer, familial, susceptibility to, 2. Last evaluated: 2015-04-01. Review status: criteria provided, single submitter. Criteria: Quest Diagnostics criteria. Collection method: clinical testing. Allele origin: germline. Inheritance: Autosomal dominant inheritance. Not counted in ClinVar's aggregate classification.

Sharing Clinical Reports Project (SCRP)
Classification: Pathogenic for Breast-ovarian cancer, familial 2. Last evaluated: 2008-11-19. Review status: no assertion criteria provided. Collection method: clinical testing. Allele origin: germline. Not counted in ClinVar's aggregate classification.

Breast Cancer Information Core (BIC) (BRCA2)
Classification: Pathogenic for Breast-ovarian cancer, familial 2. Last evaluated: 2003-12-23. Review status: no assertion criteria provided. Collection method: clinical testing. Allele origin: germline. Affected: yes. Observed: 1 variant allele. Not counted in ClinVar's aggregate classification.

Literature cited by the submitters: PubMed 29446198 (cited by Labcorp Genetics (formerly Invitae), Labcorp); PubMed 20104584 (cited by Labcorp Genetics (formerly Invitae), Labcorp); PubMed 26295337 (cited by Quest Diagnostics Nichols Institute San Juan Capistrano).